The following is an entry in ClinVar:

ClinVar aggregate classification (germline): Pathogenic/Likely pathogenic. Review status: criteria provided, multiple submitters, no conflicts (2 of 4 stars). 3 submissions from 3 submitters: Pathogenic (2); Likely pathogenic (1). Last evaluated 2023-09-29.

Conditions:
Marfan syndrome (MFS). Also called: FBN1-Related Marfan Syndrome; Marfan's syndrome; MARFAN SYNDROME, TYPE I; Marfan syndrome type 1; Marfan syndrome, classic. Identifiers: Orphanet 284963, Orphanet 558, MedGen C0024796, MONDO:0007947, OMIM 154700.
Familial thoracic aortic aneurysm and aortic dissection (TAAD). Also called: Thoracic aortic aneurysms and dissections. Identifiers: Orphanet 91387, MedGen C4707243, MONDO:0019625.

Submissions (3):

Labcorp Genetics (formerly Invitae), Labcorp
Classification: Pathogenic for Marfan syndrome; Familial thoracic aortic aneurysm and aortic dissection. Last evaluated: 2023-09-29. Review status: criteria provided, single submitter. Criteria: Invitae Variant Classification Sherloc (09022015). Collection method: clinical testing. Allele origin: germline.
Comment: This sequence change replaces cysteine, which is neutral and slightly polar, with arginine, which is basic and polar, at codon 862 of the FBN1 protein (p.Cys862Arg). This variant is not present in population databases (gnomAD no frequency). This missense change has been observed in individual(s) with Marfan syndrome (PMID: 8281141). In at least one individual the variant was observed to be de novo. ClinVar contains an entry for this variant (Variation ID: 857483). Advanced modeling of protein sequence and biophysical properties (such as structural, functional, and spatial information, amino acid conservation, physicochemical variation, residue mobility, and thermodynamic stability) performed at Invitae indicates that this missense variant is expected to disrupt FBN1 protein function. For these reasons, this variant has been classified as Pathogenic. This variant affects a cysteine residue in the EGF-like, TGFBP or hybrid motif domains of FBN1. Cysteine residues are believed to be involved in intramolecular disulfide bridges and have been shown to be important for FBN1 protein structure (PMID: 16905551, 19349279). In addition, missense substitutions affecting cysteine residues within these domains are significantly overrepresented among patients with Marfan syndrome (PMID: 16571647, 17701892).

All of Us Research Program, National Institutes of Health
Classification: Pathogenic for Marfan syndrome. Last evaluated: 2023-08-17. Review status: criteria provided, single submitter. Criteria: ACMG Guidelines, 2015. Collection method: clinical testing. Allele origin: germline. Inheritance: Autosomal dominant inheritance. Observed: 2 variant alleles, 2 heterozygotes.
Comment: This variant was observed to occur de novo in an affected individual and parentage was confirmed (PMID: 8281141). Functional studies suggest that this variant results in a deleterious effect to the protein that is sufficient to be disease-causing (PMID: 16905551, 16905551). This variant has been reported in multiple individuals with Marfan syndrome (PMID: 8281141, 9150726, 31055806). This missense substitution occurs at a Cysteine that is known to be critical to protein structure/function (PMID: 16905551). This variant is absent from or rare in large population databases, including the Genome Aggregation Database. This variant is predicted to be deleterious by in silico analysis.

This study involves interpretation of variants in research participants for the purpose of population health screening. Participant phenotype was not available at the time of variant classification. Additional details can be found in publication PMID: 35346344, PMCID: PMC8962531

Laboratory for Molecular Medicine, Mass General Brigham Personalized Medicine
Classification: Likely pathogenic for Marfan syndrome. Last evaluated: 2020-08-24. Review status: criteria provided, single submitter. Criteria: ACMG Guidelines, 2015. Collection method: clinical testing. Allele origin: germline.
Comment: The p.Cys862Arg variant in FBN1 has been identified as a de novo variant in 1 individual with Marfan syndrome (Tynan 1993 PubMed: 8281141) and was absent from large population studies. Three additional variants involving this codon (p.Cys862Ser, p.Cys862Trp and p.Cys862Tyr) have been reported (Wang 2019 PMID: 31106028; Takeda 2018 PMID: 29848614). This variant is reported in ClinVar (allele ID: 842502). Computational prediction tools and conservation analyses suggest that this variant may impact the protein, though this information is not predictive enough to determine pathogenicity. Furthermore, this variant affects a highly conserved cysteine residue in the EGF-like domains, which is a common finding in individuals with Marfan syndrome (Schrijver 1999). In summary, although additional studies are required to fully establish its clinical significance, this variant meets criteria to be classified as likely pathogenic for autosomal dominant Marfan syndrome. ACMG/AMP Criteria applied: PM2; PM1; PM5_Supporting; PS4_Supporting; PM6; PP3.

Literature cited by the submitters: PubMed 8281141 (cited by Labcorp Genetics (formerly Invitae), Labcorp and All of Us Research Program, National Institutes of Health); PubMed 16905551 (cited by Labcorp Genetics (formerly Invitae), Labcorp and All of Us Research Program, National Institutes of Health); PubMed 19349279 (cited by Labcorp Genetics (formerly Invitae), Labcorp); PubMed 16571647 (cited by Labcorp Genetics (formerly Invitae), Labcorp); PubMed 17701892 (cited by Labcorp Genetics (formerly Invitae), Labcorp); PubMed 9150726 (cited by All of Us Research Program, National Institutes of Health); PubMed 31055806 (cited by All of Us Research Program, National Institutes of Health).

NM_000138.5(FBN1):c.2584T>C (p.Cys862Arg)

Gene: FBN1 (fibrillin 1; minus strand). Cytogenetic location: 15q21.1.
Variant type: single nucleotide variant.
Coding change: c.2584T>C on transcript NM_000138.5 (MANE Select); coding-DNA position 2584, T replaced by C.
Protein change: p.Cys862Arg; replaces cysteine 862 with arginine.
Molecular consequence: missense variant.
Genome position (GRCh38, 1-based): chr15:48,495,216, A>G on the plus strand (T>C on the coding strand, the complement: FBN1 is on the minus strand). VCF-style: chr15-48495216-A-G. GRCh37 (hg19) VCF-style: chr15-48787413-A-G.
Other names: short protein forms C862R.
Identifiers: ClinVar variation 857483 (VCV000857483.10), dbSNP rs2043595650, ClinGen allele CA392332717.